The following is an entry in ClinVar:

ClinVar aggregate classification (germline): Benign. Review status: criteria provided, multiple submitters, no conflicts (2 of 4 stars). 15 submissions from 15 submitters: Benign (11). 4 of the submissions do not count toward it. Last evaluated 2026-02-03.

Conditions:
Catecholaminergic polymorphic ventricular tachycardia 1. Also called: VENTRICULAR TACHYCARDIA, CATECHOLAMINERGIC POLYMORPHIC, 1, WITH OR WITHOUT ATRIAL DYSFUNCTION AND/OR DILATED CARDIOMYOPATHY; RYR2-Related Catecholaminergic Polymorphic Ventricular Tachycardia; VENTRICULAR TACHYCARDIA, STRESS-INDUCED POLYMORPHIC 1. Identifiers: Orphanet 3286, MedGen C1631597, MONDO:0011484, OMIM 604772.
Cardiomyopathy (CMYO). Also called: Cardiomyopathies. Identifiers: Orphanet 167848, MedGen C0878544, MONDO:0004994, HP:0001638. Inheritance: Various modes of inheritance.
Catecholaminergic polymorphic ventricular tachycardia (CVPT). Also called: Catecholamine-induced polymorphic ventricular tachycardia. Identifiers: Orphanet 3286, MedGen C5574922, MONDO:0017990.

Allele frequency attached by ClinVar (database versions not stated): gnomAD exomes 0.00214 and 0.00558; ExAC 0.00934; gnomAD 0.02365 and 0.02544; ESP Exome Variant Server 0.02560; 1000 Genomes Project 0.02696; TOPMed 0.02724; 1000 Genomes Project 30x 0.03139.

Submissions (15):

Labcorp Genetics (formerly Invitae), Labcorp
Classification: Benign for Catecholaminergic polymorphic ventricular tachycardia 1. Last evaluated: 2026-02-03. Review status: criteria provided, single submitter. Criteria: Invitae Variant Classification Sherloc (09022015). Collection method: clinical testing. Allele origin: germline.

ARUP Laboratories, Molecular Genetics and Genomics, ARUP Laboratories
Classification: Benign. Last evaluated: 2025-07-23. Review status: criteria provided, single submitter. Criteria: ARUP Molecular Germline Variant Investigation Process 2024. Collection method: clinical testing. Allele origin: germline.

Molecular Diagnostic Laboratory for Inherited Cardiovascular Disease, Montreal Heart Institute
Classification: Benign. Last evaluated: 2025-04-09. Review status: criteria provided, single submitter. Criteria: ACMG Guidelines, 2015. Collection method: clinical testing. Allele origin: germline. Affected: no.

All of Us Research Program, National Institutes of Health
Classification: Benign for Catecholaminergic polymorphic ventricular tachycardia. Last evaluated: 2024-02-05. Review status: criteria provided, single submitter. Criteria: ACMG Guidelines, 2015. Collection method: clinical testing. Allele origin: germline. Inheritance: Autosomal dominant inheritance. Observed: 1,445 variant alleles, 1,396 heterozygotes, 49 homozygotes.
Comment: This study involves interpretation of variants in research participants for the purpose of population health screening. Participant phenotype was not available at the time of variant classification. Additional details can be found in publication PMID: 35346344, PMCID: PMC8962531

Color Diagnostics, LLC DBA Color Health
Classification: Benign for Cardiomyopathy. Last evaluated: 2018-03-09. Review status: criteria provided, single submitter. Criteria: ACMG Guidelines, 2015. Collection method: clinical testing. Allele origin: germline.

GeneDx
Classification: Benign. Last evaluated: 2017-09-07. Review status: criteria provided, single submitter. Criteria: GeneDx Variant Classification (06012015). Collection method: clinical testing. Allele origin: germline. Affected: yes.
Comment: This variant is considered likely benign or benign based on one or more of the following criteria: it is a conservative change, it occurs at a poorly conserved position in the protein, it is predicted to be benign by multiple in silico algorithms, and/or has population frequency not consistent with disease.

Mayo Clinic Laboratories, Mayo Clinic
Classification: Benign. Last evaluated: 2016-02-23. Review status: criteria provided, single submitter. Criteria: ACMG Guidelines, 2015. Collection method: clinical testing. Allele origin: germline. Observed: 25 variant alleles.

CHEO Genetics Diagnostic Laboratory, Children's Hospital of Eastern Ontario
Classification: Benign for Cardiomyopathy. Last evaluated: 2015-10-21. Review status: criteria provided, single submitter. Criteria: ACMG Guidelines, 2015. Collection method: clinical testing. Allele origin: germline. Study: Canadian Open Genetics Repository.

Eurofins Ntd Llc (ga)
Classification: Benign. Last evaluated: 2013-03-12. Review status: criteria provided, single submitter. Criteria: EGL Classification Definitions. Collection method: clinical testing. Allele origin: germline. Observed: 1 variant allele, 1 heterozygote.

Laboratory for Molecular Medicine, Mass General Brigham Personalized Medicine
Classification: Benign. Last evaluated: 2012-08-22. Review status: criteria provided, single submitter. Criteria: LMM Criteria. Collection method: clinical testing. Allele origin: germline. Observed: 51 variant alleles.
Comment: This variant has been identified in 5.7% (28/490) of African and African America n chromosomes from a broad population by the 1000 Genomes project (dbSNP rs14824 6251).

PreventionGenetics, part of Exact Sciences
Classification: Benign. Review status: criteria provided, single submitter. Criteria: ACMG Guidelines, 2015. Collection method: clinical testing. Allele origin: germline.

Clinical Genetics, Academic Medical Center
Classification: Benign. Review status: no assertion criteria provided. Collection method: clinical testing. Allele origin: germline. Affected: yes. Study: VKGL Data-share Consensus. Not counted in ClinVar's aggregate classification.

Diagnostic Laboratory, Department of Genetics, University Medical Center Groningen
Classification: Likely benign. Review status: no assertion criteria provided. Collection method: clinical testing. Allele origin: germline. Affected: yes. Study: VKGL Data-share Consensus. Not counted in ClinVar's aggregate classification.

Genome Diagnostics Laboratory, University Medical Center Utrecht
Classification: Benign. Review status: no assertion criteria provided. Collection method: clinical testing. Allele origin: germline. Affected: yes. Study: VKGL Data-share Consensus. Not counted in ClinVar's aggregate classification.

Joint Genome Diagnostic Labs from Nijmegen and Maastricht, Radboudumc and MUMC+
Classification: Benign. Review status: no assertion criteria provided. Collection method: clinical testing. Allele origin: germline. Affected: yes. Study: VKGL Data-share Consensus. Not counted in ClinVar's aggregate classification.

Literature cited by the submitters: PubMed 23757202 (cited by Eurofins Ntd Llc (ga)).

NM_001035.3(RYR2):c.8437-7dup

Gene: RYR2 (ryanodine receptor 2; plus strand). Cytogenetic location: 1q43.
Variant type: Duplication.
Coding change: c.8437-7dup on transcript NM_001035.3 (MANE Select); 7 bases into the intron before coding-DNA position 8437, one base duplicated (G; older notation c.8437-7dupG).
Genome position (GRCh38, 1-based): chr1:237,666,505, G duplicated. VCF-style (leftmost placement, unchanged base first): chr1-237666504-T-TG. GRCh37 (hg19) VCF-style: chr1-237829804-T-TG.
Other names: p.?; c.8437-7dupG (NM_001035.2).
Identifiers: ClinVar variation 43832 (VCV000043832.46), dbSNP rs148246251, ClinGen allele CA011013.